The following is an entry in ClinVar:

ClinVar aggregate classification (germline): Uncertain significance. Review status: criteria provided, multiple submitters, no conflicts (2 of 4 stars). 2 submissions from 2 submitters: Uncertain significance (2). Last evaluated 2024-11-17.

Conditions:
Hereditary nonpolyposis colorectal neoplasms. Identifiers: MedGen C0009405, MeSH D003123.

Submissions (2):

Labcorp Genetics (formerly Invitae), Labcorp
Classification: Uncertain significance for Hereditary nonpolyposis colorectal neoplasms. Last evaluated: 2024-11-17. Review status: criteria provided, single submitter. Criteria: Invitae Variant Classification Sherloc (09022015). Collection method: clinical testing. Allele origin: germline.
Comment: This sequence change replaces proline, which is neutral and non-polar, with alanine, which is neutral and non-polar, at codon 929 of the MSH6 protein (p.Pro929Ala). This variant is not present in population databases (gnomAD no frequency). This variant has not been reported in the literature in individuals affected with MSH6-related conditions. ClinVar contains an entry for this variant (Variation ID: 525726). Invitae Evidence Modeling of protein sequence and biophysical properties (such as structural, functional, and spatial information, amino acid conservation, physicochemical variation, residue mobility, and thermodynamic stability) has been performed for this missense variant. However, the output from this modeling did not meet the statistical confidence thresholds required to predict the impact of this variant on MSH6 protein function. In summary, the available evidence is currently insufficient to determine the role of this variant in disease. Therefore, it has been classified as a Variant of Uncertain Significance.

Women's Health and Genetics/Laboratory Corporation of America, LabCorp
Classification: Uncertain significance. Last evaluated: 2024-06-01. Review status: criteria provided, single submitter. Criteria: LabCorp Variant Classification Summary - May 2015. Collection method: clinical testing. Allele origin: germline.

NM_000179.3(MSH6):c.2785C>G (p.Pro929Ala)

Gene: MSH6 (mutS homolog 6; plus strand). Cytogenetic location: 2p16.3.
Variant type: single nucleotide variant.
Coding change: c.2785C>G on transcript NM_000179.3 (MANE Select); coding-DNA position 2785, C replaced by G.
Protein change: p.Pro929Ala; replaces proline 929 with alanine.
Molecular consequence: missense variant.
Genome position (GRCh38, 1-based): chr2:47,800,768, C>G. VCF-style: chr2-47800768-C-G. GRCh37 (hg19) VCF-style: chr2-48027907-C-G.
Other names: c.2395C>G, p.Pro799Ala (NM_001281492.2); c.1879C>G, p.Pro627Ala (NM_001281493.2, NM_001281494.2); short protein forms P929A, P799A, P627A.
Identifiers: ClinVar variation 525726 (VCV000525726.10), dbSNP rs1553414139, ClinGen allele CA346755500.
Genomic context (GRCh38, chr2:47,800,768, plus strand): 5'-TTGAACCGATGGGATACAGCCTTTGACCATGAAAAGGCTCGAAAGACTGGACTTATTACT[C>G]CCAAAGCAGGCTTTGACTCTGATTATGACCAAGCTCTTGCTGACATAAGAGAAAATGAAC-3'
Protein context (NP_000170.1, residues 919-939): EKARKTGLIT[Pro929Ala]KAGFDSDYDQ